The following is an entry in ClinVar:

NM_003002.4(SDHD):c.243G>C (p.Pro81=)

Gene: SDHD (succinate dehydrogenase complex subunit D; plus strand). Cytogenetic location: 11q23.1.
Variant type: single nucleotide variant.
Coding change: c.243G>C on transcript NM_003002.4 (MANE Select); coding-DNA position 243, G replaced by C.
Protein change: p.Pro81=; no amino-acid change (proline 81 retained).
Molecular consequence: synonymous variant. On other transcripts: non-coding transcript variant (1), intron variant (1).
Genome position (GRCh38, 1-based): chr11:112,088,940, G>C. VCF-style: chr11-112088940-G-C. GRCh37 (hg19) VCF-style: chr11-111959664-G-C.
Other names: c.126G>C, p.Pro42= (NM_001276504.2); c.243G>C, p.Pro81= (NM_001276506.2); c.169+967G>C (NM_001276503.2).
Identifiers: ClinVar variation 486438 (VCV000486438.21), dbSNP rs575262156, ClinGen allele CA228551713.

ClinVar aggregate classification (germline): Benign/Likely benign. Review status: criteria provided, multiple submitters, no conflicts (2 of 4 stars). 6 submissions from 6 submitters: Benign (1); Likely benign (5). Last evaluated 2026-01-18.

Conditions:
Hereditary cancer-predisposing syndrome. Also called: Neoplastic Syndromes, Hereditary; Hereditary neoplastic syndrome; Tumor predisposition; Hereditary Cancer Syndrome. Identifiers: Orphanet 140162, MedGen C0027672, MeSH D009386, MONDO:0015356.
Paragangliomas with sensorineural hearing loss. Identifiers: MedGen C1868633.
Pheochromocytoma. Also called: MAX-Related Hereditary Paraganglioma-Pheochromocytoma Syndrome. Identifiers: Orphanet 29072, MedGen C0031511, MONDO:0008233, OMIM 171300, HP:0002666.
Cowden syndrome 3 (CWS3). Identifiers: Orphanet 201, MedGen CN166604, MONDO:0014045.
Carney-Stratakis syndrome. Also called: PARAGANGLIOMA AND GASTROINTESTINAL STROMAL TUMOR. Identifiers: Orphanet 97286, MedGen C1847319, MONDO:0011740, OMIM 606864.
Hereditary pheochromocytoma and paraganglioma. Also called: Hereditary Paraganglioma-Pheochromocytoma Syndromes; Hereditary paragangliomas and pheochromocytomas; Hereditary pheochromocytoma-paraganglioma. Identifiers: Orphanet 29072, MedGen C4274332, MONDO:0017366.
Pheochromocytoma/paraganglioma syndrome 1. Also called: Paragangliomas 1; Glomus tumors familial 1; Paraganglioma - glomus jugulare; SDHD-Related Hereditary Paraganglioma-Pheochromocytoma Syndrome; PARAGANGLIOMAS, FAMILIAL NONCHROMAFFIN, 1; PGL 1. Identifiers: Orphanet 29072, MedGen C3494181, MONDO:0008192, OMIM 168000.

Allele frequency attached by ClinVar (database versions not stated): gnomAD exomes 0.00001; TOPMed 0.00001; 1000 Genomes Project 30x 0.00016; 1000 Genomes Project 0.00020.
gnomAD v4.1: 5 of 1,613,792 alleles (0.00031%); highest among the groups gnomAD compares: East Asian, 0.0045%; no homozygotes.

Submissions (6):

Labcorp Genetics (formerly Invitae), Labcorp
Classification: Likely benign for Carney-Stratakis syndrome; Paragangliomas with sensorineural hearing loss; Pheochromocytoma; Cowden syndrome 3. Last evaluated: 2026-01-18. Review status: criteria provided, single submitter. Criteria: Invitae Variant Classification Sherloc (09022015). Collection method: clinical testing. Allele origin: germline.

Quest Diagnostics Nichols Institute San Juan Capistrano
Classification: Likely benign. Last evaluated: 2025-06-10. Review status: criteria provided, single submitter. Criteria: Quest Diagnostics criteria. Collection method: clinical testing. Allele origin: unknown.

Myriad Genetics, Inc.
Classification: Benign for Pheochromocytoma/paraganglioma syndrome 1. Last evaluated: 2025-03-17. Review status: criteria provided, single submitter. Criteria: Myriad Autosomal Dominant, Autosomal Recessive and X-Linked Classification Criteria (2023). Collection method: clinical testing. Allele origin: unknown.
Comment: This variant is considered benign. This variant is a silent/synonymous amino acid change and it is not expected to impact splicing.

All of Us Research Program, National Institutes of Health
Classification: Likely benign for Hereditary pheochromocytoma and paraganglioma. Last evaluated: 2023-12-13. Review status: criteria provided, single submitter. Criteria: ACMG Guidelines, 2015. Collection method: clinical testing. Allele origin: germline. Inheritance: Autosomal dominant inheritance. Observed: 1 variant allele, 1 heterozygote.
Comment: This study involves interpretation of variants in research participants for the purpose of population health screening. Participant phenotype was not available at the time of variant classification. Additional details can be found in publication PMID: 35346344, PMCID: PMC8962531

Color Diagnostics, LLC DBA Color Health
Classification: Likely benign for Hereditary pheochromocytoma and paraganglioma. Last evaluated: 2022-05-02. Review status: criteria provided, single submitter. Criteria: ACMG Guidelines, 2015. Collection method: clinical testing. Allele origin: germline.

Ambry Genetics
Classification: Likely benign for Hereditary cancer-predisposing syndrome. Last evaluated: 2016-04-11. Review status: criteria provided, single submitter. Criteria: Ambry Variant Classification Scheme 2023. Collection method: clinical testing. Allele origin: germline.

Literature cited by the submitters: PubMed 11857371 (cited by Quest Diagnostics Nichols Institute San Juan Capistrano).